The following is an entry in ClinVar:

ClinVar aggregate classification (germline): Likely pathogenic (1 of 4 stars; one submission).

Submission:

GeneDx
Classification: Likely pathogenic. Last evaluated: 2013-12-30. Review status: criteria provided, single submitter. Criteria: GeneDx Variant Classification (06012015). Collection method: clinical testing. Allele origin: germline. Affected: yes.
Comment: p.Tyr143Phe (TAT>TTT): c.428 A>T in exon 6 of the NDUFS8 gene (NM_002496.2) A Y143F missense change that is likely pathogenic was identified in the NDUFS8 gene. It has not been published as a mutation, nor has it been reported as a benign polymorphism to our knowledge. The amino acid change is non-conservative in that a polar Tyrosine residue is replaced by a non-polar Phenylalanine residue. This change occurs at a highly conserved position in the NDUFS8 protein, and multiple in-silico analysis programs predict that Y143F is damaging to the NDUFS8 protein. Therefore, Y143F is a strong candidate for a disease-causing mutation, however the possibility that it is a benign variant cannot be excluded. The variant is found in MITONUC-MITOP panel(s).

NM_002496.4(NDUFS8):c.428A>T (p.Tyr143Phe)

Gene: NDUFS8 (NADH:ubiquinone oxidoreductase core subunit S8; plus strand). Cytogenetic location: 11q13.2.
Variant type: single nucleotide variant.
Coding change: c.428A>T on transcript NM_002496.4 (MANE Select); coding-DNA position 428, A replaced by T.
Protein change: p.Tyr143Phe; replaces tyrosine 143 with phenylalanine.
Molecular consequence: missense variant.
Genome position (GRCh38, 1-based): chr11:68,036,308, A>T. VCF-style: chr11-68036308-A-T. GRCh37 (hg19) VCF-style: chr11-67803775-A-T.
Other names: p.Y143F:TAT>TTT; short protein forms Y143F.
Identifiers: ClinVar variation 214838 (VCV000214838.2), dbSNP rs863224115, ClinGen allele CA322246.
Genomic context (GRCh38, chr11:68,036,308, plus strand): 5'-CGCAGGCCATCACCATCGAGGCTGAGCCAAGAGCTGATGGCAGCCGCCGGACCACCCGCT[A>T]TGACATCGACATGACCAAGTGCATCTACTGCGGCTTCTGCCAGGAGGCCTGTCCCGTGGA-3'
Protein context (NP_002487.1, residues 133-153): RADGSRRTTR[Tyr143Phe]DIDMTKCIYC